The following is an entry in ClinVar:

ClinVar aggregate classification (germline): Uncertain significance (1 of 4 stars; one submission).

Conditions:
Developmental and epileptic encephalopathy, 54. Also called: HNRNPU-Related Neurodevelopmental Disorder; Epileptic encephalopathy, early infantile, 54. Identifiers: MedGen C4479319, MONDO:0033363, OMIM 617391.

gnomAD v4.1: 1 of 1,613,692 alleles (0.000062%); highest among the groups gnomAD compares: African/African-American, 0.0013%; no homozygotes.

Submission:

Labcorp Genetics (formerly Invitae), Labcorp
Classification: Uncertain significance for Developmental and epileptic encephalopathy, 54. Last evaluated: 2024-11-09. Review status: criteria provided, single submitter. Criteria: Invitae Variant Classification Sherloc (09022015). Collection method: clinical testing. Allele origin: germline.
Comment: This sequence change replaces asparagine, which is neutral and polar, with lysine, which is basic and polar, at codon 792 of the HNRNPU protein (p.Asn792Lys). This variant is present in population databases (rs781386773, gnomAD 0.007%). This variant has not been reported in the literature in individuals affected with HNRNPU-related conditions. Invitae Evidence Modeling of protein sequence and biophysical properties (such as structural, functional, and spatial information, amino acid conservation, physicochemical variation, residue mobility, and thermodynamic stability) has been performed for this missense variant. However, the output from this modeling did not meet the statistical confidence thresholds required to predict the impact of this variant on HNRNPU protein function. In summary, the available evidence is currently insufficient to determine the role of this variant in disease. Therefore, it has been classified as a Variant of Uncertain Significance.

NM_031844.3(HNRNPU):c.2376T>G (p.Asn792Lys)

Gene: HNRNPU (heterogeneous nuclear ribonucleoprotein U; minus strand). Cytogenetic location: 1q44.
Variant type: single nucleotide variant.
Coding change: c.2376T>G on transcript NM_031844.3 (MANE Select); coding-DNA position 2376, T replaced by G.
Protein change: p.Asn792Lys; replaces asparagine 792 with lysine.
Molecular consequence: missense variant.
Genome position (GRCh38, 1-based): chr1:244,855,021, A>C on the plus strand (T>G on the coding strand, the complement: HNRNPU is on the minus strand). VCF-style: chr1-244855021-A-C. GRCh37 (hg19) VCF-style: chr1-245018323-A-C.
Other names: c.2319T>G, p.Asn773Lys (NM_004501.3); short protein forms N792K, N773K.
Identifiers: ClinVar variation 3678331 (VCV003678331.2).